The following is an entry in ClinVar:

NM_000021.4(PSEN1):c.73A>G (p.Thr25Ala)

Gene: PSEN1 (presenilin 1; plus strand). Cytogenetic location: 14q24.2.
Variant type: single nucleotide variant.
Coding change: c.73A>G on transcript NM_000021.4 (MANE Select); coding-DNA position 73, A replaced by G.
Protein change: p.Thr25Ala; replaces threonine 25 with alanine.
Molecular consequence: missense variant.
Genome position (GRCh38, 1-based): chr14:73,148,092, A>G. VCF-style: chr14-73148092-A-G. GRCh37 (hg19) VCF-style: chr14-73614800-A-G.
Other names: c.73A>G, p.Thr25Ala (NM_007318.3); short protein forms T25A.
Identifiers: ClinVar variation 3762204 (VCV003762204.2).

ClinVar aggregate classification (germline): Uncertain significance (1 of 4 stars; one submission).

Conditions:
Pick disease. Also called: PICK DISEASE OF BRAIN; DEMENTIA WITH LOBAR ATROPHY AND NEURONAL CYTOPLASMIC INCLUSIONS; LOBAR ATROPHY OF BRAIN; Pick's disease; Pick Disease of the Brain. Identifiers: Orphanet 282, MedGen C0236642, MONDO:0008243, OMIM 172700.
Alzheimer disease 3 (AD3). Also called: ALZHEIMER DISEASE, FAMILIAL, 3. Identifiers: Orphanet 1020, MedGen C1843013, MONDO:0011913, OMIM 607822.
Frontotemporal dementia (FTD1). Also called: Frontotemporal lobe dementia (FLDEM); FRONTOTEMPORAL LOBAR DEGENERATION WITH TAU INCLUSIONS; FTLD WITH TAU INCLUSIONS; Dementia, frontotemporal, with or without parkinsonism; FRONTOTEMPORAL DEMENTIA WITH PARKINSONISM; FRONTOTEMPORAL LOBE DEMENTIA. Identifiers: Orphanet 282, MedGen C0338451, MONDO:0017276, OMIM 600274, HP:0002145.
Acne inversa, familial, 3 (ACNINV3). Identifiers: MedGen C3151038, MONDO:0013398, OMIM 613737.

Submission:

Labcorp Genetics (formerly Invitae), Labcorp
Classification: Uncertain significance for Alzheimer disease 3; Pick disease; Acne inversa, familial, 3; Frontotemporal dementia. Last evaluated: 2024-04-13. Review status: criteria provided, single submitter. Criteria: Invitae Variant Classification Sherloc (09022015). Collection method: clinical testing. Allele origin: germline.
Comment: This sequence change replaces threonine, which is neutral and polar, with alanine, which is neutral and non-polar, at codon 25 of the PSEN1 protein (p.Thr25Ala). This variant is not present in population databases (gnomAD no frequency). This variant has not been reported in the literature in individuals affected with PSEN1-related conditions. Advanced modeling of protein sequence and biophysical properties (such as structural, functional, and spatial information, amino acid conservation, physicochemical variation, residue mobility, and thermodynamic stability) performed at Invitae indicates that this missense variant is not expected to disrupt PSEN1 protein function with a negative predictive value of 80%. In summary, the available evidence is currently insufficient to determine the role of this variant in disease. Therefore, it has been classified as a Variant of Uncertain Significance.